The following is an entry in ClinVar:

ClinVar aggregate classification (germline): Uncertain significance (1 of 4 stars; one submission).

Submission:

GeneDx
Classification: Uncertain significance. Last evaluated: 2022-04-29. Review status: criteria provided, single submitter. Criteria: GeneDx Variant Classification Process June 2021. Collection method: clinical testing. Allele origin: germline. Affected: yes.
Comment: Not observed at significant frequency in large population cohorts (gnomAD); Frameshift variant in which the last 38 amino acids are replaced with 72 different amino acids; Has not been previously published as pathogenic or benign to our knowledge; Variants in candidate genes are classified as variants of uncertain significance in accordance with ACMG guidelines (Richards et al., 2015)

NM_001256012.3(MYH10):c.5907del (p.Ser1970fs)

Gene: MYH10 (myosin heavy chain 10; minus strand). Cytogenetic location: 17p13.1.
Variant type: Deletion.
Coding change: c.5907del on transcript NM_001256012.3 (MANE Select); coding-DNA position 5907, one base deleted (C; older notation c.5907delC).
Protein change: p.Ser1970fs; shifts the reading frame from serine 1970.
Molecular consequence: frameshift variant.
Genome position (GRCh38, 1-based): chr17:8,475,921, G deleted on the plus strand (C on the coding strand, the reverse complement: MYH10 is on the minus strand); the first of 2 consecutive G bases (chr17:8,475,921-8,475,922); deleting either gives the same sequence. VCF-style (leftmost placement, unchanged base first): chr17-8475920-TG-T. GRCh37 (hg19) VCF-style: chr17-8379238-TG-T.
Other names: c.5841del, p.Ser1948fs (NM_001256095.2); c.5844del, p.Ser1949fs (NM_001375266.1); c.5814del, p.Ser1939fs (NM_005964.5); short protein forms S1939fs, S1948fs, S1949fs, S1970fs.
Identifiers: ClinVar variation 1712638 (VCV001712638.2), dbSNP rs2544147276, ClinGen allele CA2580094974.